The following is an entry in ClinVar:

ClinVar aggregate classification (germline): Uncertain significance (1 of 4 stars; one submission).

Conditions:
Dyskeratosis congenita. Identifiers: Orphanet 1775, MedGen C0265965, MONDO:0015780.

gnomAD v4.1: 1 of 1,613,834 alleles (0.000062%); highest among the groups gnomAD compares: African/African-American, 0.0013%; no homozygotes.

Submission:

Labcorp Genetics (formerly Invitae), Labcorp
Classification: Uncertain significance for Dyskeratosis congenita. Last evaluated: 2025-12-09. Review status: criteria provided, single submitter. Criteria: Invitae Variant Classification Sherloc (09022015). Collection method: clinical testing. Allele origin: germline.
Comment: This sequence change replaces threonine, which is neutral and polar, with isoleucine, which is neutral and non-polar, at codon 388 of the TINF2 protein (p.Thr388Ile). This variant is not present in population databases (gnomAD no frequency). This variant has not been reported in the literature in individuals affected with TINF2-related conditions. An algorithm developed to predict the effect of missense changes on protein structure and function (PolyPhen-2) suggests that this variant is likely to be disruptive. In summary, the available evidence is currently insufficient to determine the role of this variant in disease. Therefore, it has been classified as a Variant of Uncertain Significance.

NM_001099274.3(TINF2):c.1163C>T (p.Thr388Ile)

Gene: TINF2 (TERF1 interacting nuclear factor 2; minus strand). Cytogenetic location: 14q12.
Variant type: single nucleotide variant.
Coding change: c.1163C>T on transcript NM_001099274.3 (MANE Select); coding-DNA position 1163, C replaced by T.
Protein change: p.Thr388Ile; replaces threonine 388 with isoleucine.
Molecular consequence: missense variant. On other transcripts: 3 prime UTR variant (1).
Genome position (GRCh38, 1-based): chr14:24,240,122, G>A on the plus strand (C>T on the coding strand, the complement: TINF2 is on the minus strand). VCF-style: chr14-24240122-G-A. GRCh37 (hg19) VCF-style: chr14-24709328-G-A.
Other names: c.1058C>T, p.Thr353Ile (NM_001363668.2); c.*293C>T (NM_012461.3); short protein forms T353I, T388I.
Identifiers: ClinVar variation 4806758 (VCV004806758.1).